The following is an entry in ClinVar:

NM_015057.5(MYCBP2):c.61G>C (p.Gly21Arg)

Genes: MYCBP2 (MYC binding protein 2; minus strand), LOC130009921 (ATAC-STARR-seq lymphoblastoid silent region 5419; plus strand). Cytogenetic location: 13q22.3.
Variant type: single nucleotide variant.
Coding change: c.61G>C on transcript NM_015057.5 (MANE Select); coding-DNA position 61, G replaced by C.
Protein change: p.Gly21Arg; replaces glycine 21 with arginine.
Molecular consequence: missense variant.
Genome position (GRCh38, 1-based): chr13:77,326,715, C>G on the plus strand (G>C on the coding strand, the complement: MYCBP2 is on the minus strand). VCF-style: chr13-77326715-C-G. GRCh37 (hg19) VCF-style: chr13-77900850-C-G.
Other names: short protein forms G21R.
Identifiers: ClinVar variation 4686453 (VCV004686453.2).

ClinVar aggregate classification (germline): Uncertain significance (1 of 4 stars; one submission).

Submission:

GeneDx
Classification: Uncertain significance. Last evaluated: 2026-08-21. Review status: criteria provided, single submitter. Criteria: GeneDx Variant Classification Process June 2021. Collection method: clinical testing. Allele origin: germline.
Comment: Not observed at significant frequency in large population cohorts (gnomAD); Has not been previously published as pathogenic or benign to our knowledge; In silico analysis does not support a benign or deleterious effect of this variant on protein structure/function